The following is an entry in ClinVar:

NM_000135.4(FANCA):c.757C>A (p.Leu253Met)

Gene: FANCA (FA complementation group A; minus strand). Cytogenetic location: 16q24.3.
Variant type: single nucleotide variant.
Coding change: c.757C>A on transcript NM_000135.4 (MANE Select); coding-DNA position 757, C replaced by A.
Protein change: p.Leu253Met; replaces leucine 253 with methionine.
Molecular consequence: missense variant.
Genome position (GRCh38, 1-based): chr16:89,803,294, G>T on the plus strand (C>A on the coding strand, the complement: FANCA is on the minus strand). VCF-style: chr16-89803294-G-T. GRCh37 (hg19) VCF-style: chr16-89869702-G-T.
Other names: c.757C>A, p.Leu253Met (NM_001018112.3, NM_001286167.3); c.661C>A, p.Leu221Met (NM_001351830.2); short protein forms L221M, L253M.
Identifiers: ClinVar variation 4254355 (VCV004254355.1).
Genomic context (GRCh38, chr16:89,803,294, plus strand): 5'-CTCTTCACTTGACTTTTCCTCCTACCTGCGGCATTTTTTCAGGCTCCACAGTTCTTCTCA[G>T]ATCTGAGTTTTTCTGAAATCCCCTCAAAACAAACATTTGAACAAAATCTGAAAAACCATA-3'
Protein context (NP_000126.2, residues 243-263): VLRGFQKNSD[Leu253Met]RRTVEPEKMP

ClinVar aggregate classification (germline): Uncertain significance (1 of 4 stars; one submission).

Conditions:
Inborn genetic diseases. Identifiers: MedGen C0950123, MeSH D030342.

gnomAD v4.1: 1 of 1,614,114 alleles (0.000062%); highest among the groups gnomAD compares: Non-Finnish European, 0.000085%; no homozygotes.

Submission:

Ambry Genetics
Classification: Uncertain significance for Inborn genetic diseases. Last evaluated: 2025-09-13. Review status: criteria provided, single submitter. Criteria: Ambry Variant Classification Scheme 2023. Collection method: clinical testing. Allele origin: germline.
Comment: The p.L253M variant (also known as c.757C>A), located in coding exon 8 of the FANCA gene, results from a C to A substitution at nucleotide position 757. The leucine at codon 253 is replaced by methionine, an amino acid with highly similar properties. This amino acid position is conserved. In addition, this alteration is predicted to be tolerated by in silico analysis. Based on the available evidence, the clinical significance of this variant remains unclear.